The following is an entry in ClinVar:

ClinVar aggregate classification (germline): Uncertain significance (1 of 4 stars; one submission).

Conditions:
Autosomal recessive ataxia, Beauce type. Also called: SYNE1-Related Autosomal Recessive Cerebellar Ataxia; SYNE1 Deficiency; Spinocerebellar ataxia, autosomal recessive 8; ATAXIA, RECESSIVE, OF BEAUCE. Identifiers: Orphanet 88644, MedGen C1853116, MONDO:0012549, OMIM 610743.
Emery-Dreifuss muscular dystrophy 4, autosomal dominant (EDMD4). Also called: EMERY-DREIFUSS MUSCULAR DYSTROPHY 4 WITH VARIABLE FEATURES. Identifiers: Orphanet 261, MedGen C2751807, MONDO:0013071, OMIM 612998.

Allele frequency attached by ClinVar (database versions not stated): gnomAD exomes below 0.00001; ExAC 0.00001; TOPMed 0.00001.
gnomAD v4.1: 1 of 1,614,178 alleles (0.000062%); highest among the groups gnomAD compares: East Asian, 0.0022%; no homozygotes.

Submission:

Labcorp Genetics (formerly Invitae), Labcorp
Classification: Uncertain significance for Emery-Dreifuss muscular dystrophy 4, autosomal dominant; Autosomal recessive ataxia, Beauce type. Last evaluated: 2022-08-16. Review status: criteria provided, single submitter. Criteria: Invitae Variant Classification Sherloc (09022015). Collection method: clinical testing. Allele origin: germline.
Comment: ClinVar contains an entry for this variant (Variation ID: 1347917). In summary, the available evidence is currently insufficient to determine the role of this variant in disease. Therefore, it has been classified as a Variant of Uncertain Significance. Algorithms developed to predict the effect of missense changes on protein structure and function (SIFT, PolyPhen-2, Align-GVGD) all suggest that this variant is likely to be tolerated. This variant has not been reported in the literature in individuals affected with SYNE1-related conditions. This variant is present in population databases (rs770873356, gnomAD 0.006%). This sequence change replaces alanine, which is neutral and non-polar, with serine, which is neutral and polar, at codon 6597 of the SYNE1 protein (p.Ala6597Ser).

NM_182961.4(SYNE1):c.20002G>T (p.Ala6668Ser)

Gene: SYNE1 (spectrin repeat containing nuclear envelope protein 1; minus strand). Cytogenetic location: 6q25.2.
Variant type: single nucleotide variant.
Coding change: c.20002G>T on transcript NM_182961.4 (MANE Select); coding-DNA position 20002, G replaced by T.
Protein change: p.Ala6668Ser; replaces alanine 6668 with serine.
Molecular consequence: missense variant.
Genome position (GRCh38, 1-based): chr6:152,239,598, C>A on the plus strand (G>T on the coding strand, the complement: SYNE1 is on the minus strand). VCF-style: chr6-152239598-C-A. GRCh37 (hg19) VCF-style: chr6-152560733-C-A.
Other names: c.19789G>T, p.Ala6597Ser (NM_033071.5); short protein forms A6597S, A6668S.
Identifiers: ClinVar variation 1347917 (VCV001347917.4), dbSNP rs770873356, ClinGen allele CA4054530.